The following is an entry in ClinVar:

NM_020366.4(RPGRIP1):c.658A>G (p.Met220Val)

Gene: RPGRIP1 (RPGR interacting protein 1; plus strand). Cytogenetic location: 14q11.2.
Variant type: single nucleotide variant.
Coding change: c.658A>G on transcript NM_020366.4 (MANE Select); coding-DNA position 658, A replaced by G.
Protein change: p.Met220Val; replaces methionine 220 with valine.
Molecular consequence: missense variant.
Genome position (GRCh38, 1-based): chr14:21,303,401, A>G. VCF-style: chr14-21303401-A-G. GRCh37 (hg19) VCF-style: chr14-21771560-A-G.
Other names: short protein forms M220V.
Identifiers: ClinVar variation 312783 (VCV000312783.19), dbSNP rs371762530, ClinGen allele CA7088724.

ClinVar aggregate classification (germline): Conflicting classifications of pathogenicity. Review status: criteria provided, conflicting classifications (1 of 4 stars). 7 submissions from 5 submitters: Uncertain significance (3); Likely benign (4). Last evaluated 2026-01-20.

Conditions:
RPGRIP1-related disorder. Also called: RPGRIP1-related condition.
Cone-rod dystrophy 13 (CORD13). Identifiers: Orphanet 1872, MedGen C2750720, MONDO:0011987, OMIM 608194.
Leber congenital amaurosis 6 (LCA6). Identifiers: Orphanet 65, MedGen C1854260, MONDO:0013446, OMIM 613826.

Allele frequency attached by ClinVar (database versions not stated): ESP Exome Variant Server 0.00008; TOPMed 0.00010; gnomAD 0.00011 and 0.00013; ExAC 0.00012; gnomAD exomes 0.00017.
gnomAD v4.1: 140 of 1,613,782 alleles (0.0087%); highest among the groups gnomAD compares: Admixed American, 0.01%; 2 homozygotes.

Submissions (7):

Labcorp Genetics (formerly Invitae), Labcorp
Classification: Likely benign for Leber congenital amaurosis 6; Cone-rod dystrophy 13. Last evaluated: 2026-01-20. Review status: criteria provided, single submitter. Criteria: Invitae Variant Classification Sherloc (09022015). Collection method: clinical testing. Allele origin: germline.

PreventionGenetics, part of Exact Sciences
Classification: Likely benign for RPGRIP1-related condition. Last evaluated: 2025-03-27. Review status: criteria provided, single submitter. Criteria: ACMG Guidelines, 2015. Collection method: clinical testing. Allele origin: germline.
Comment: This variant is classified as likely benign based on ACMG/AMP sequence variant interpretation guidelines (Richards et al. 2015 PMID: 25741868, with internal and published modifications).

Blueprint Genetics
Classification: Uncertain significance. Last evaluated: 2021-11-16. Review status: criteria provided, single submitter. Criteria: ACMG Guidelines, 2015. Collection method: clinical testing. Allele origin: germline.

Genome-Nilou Lab
Classification: Likely benign for Leber congenital amaurosis 6. Last evaluated: 2021-11-07. Review status: criteria provided, single submitter. Criteria: ACMG Guidelines, 2015. Collection method: clinical testing. Allele origin: germline. Affected: no.

Genome-Nilou Lab
Classification: Likely benign for Cone-rod dystrophy 13. Last evaluated: 2021-11-07. Review status: criteria provided, single submitter. Criteria: ACMG Guidelines, 2015. Collection method: clinical testing. Allele origin: germline. Affected: no.

Illumina Laboratory Services, Illumina
Classification: Uncertain significance for Cone-rod dystrophy 13. Last evaluated: 2018-01-12. Review status: criteria provided, single submitter. Criteria: ICSL Variant Classification Criteria 13 December 2019. Collection method: clinical testing. Allele origin: germline.

Illumina Laboratory Services, Illumina
Classification: Uncertain significance for Leber congenital amaurosis 6. Last evaluated: 2018-01-12. Review status: criteria provided, single submitter. Criteria: ICSL Variant Classification Criteria 13 December 2019. Collection method: clinical testing. Allele origin: germline.